The following is an entry in ClinVar:

NM_000218.3(KCNQ1):c.1662G>A (p.Val554=)

Gene: KCNQ1 (potassium voltage-gated channel subfamily Q member 1; plus strand). Cytogenetic location: 11p15.5.
Variant type: single nucleotide variant.
Coding change: c.1662G>A on transcript NM_000218.3 (MANE Select); coding-DNA position 1662, G replaced by A.
Protein change: p.Val554=; no amino-acid change (valine 554 retained).
Molecular consequence: synonymous variant.
Genome position (GRCh38, 1-based): chr11:2,776,031, G>A. VCF-style: chr11-2776031-G-A. GRCh37 (hg19) VCF-style: chr11-2797261-G-A.
Other names: c.1566G>A, p.Val522= (NM_001406836.1); c.1392G>A, p.Val464= (NM_001406837.1); c.1122G>A, p.Val374= (NM_001406838.1); c.1281G>A, p.Val427= (NM_181798.2).
Identifiers: ClinVar variation 927930 (VCV000927930.12), dbSNP rs533146777, ClinGen allele CA472464650.

ClinVar aggregate classification (germline): Uncertain significance. Review status: criteria provided, multiple submitters, no conflicts (2 of 4 stars). 2 submissions from 2 submitters: Uncertain significance (2). Last evaluated 2026-02-01.

Conditions:
Cardiac arrhythmia. Also called: Cardiac rhythm disease; Arrhythmia. Identifiers: MedGen C0003811, MONDO:0007263, HP:0011675.

Allele frequency attached by ClinVar (database versions not stated): gnomAD exomes below 0.00001.
gnomAD v4.1: 2 of 1,568,886 alleles (0.00013%); highest among the groups gnomAD compares: Non-Finnish European, 0.00017%; no homozygotes.

Submissions (2):

CeGaT Center for Human Genetics Tuebingen
Classification: Uncertain significance. Last evaluated: 2026-02-01. Review status: criteria provided, single submitter. Criteria: CeGaT Center For Human Genetics Tuebingen Variant Classification Criteria Version 2. Collection method: clinical testing. Allele origin: germline. Affected: yes. Observed: 1 variant allele.
Comment: KCNQ1: PM2:Supporting, BP4

Color Diagnostics, LLC DBA Color Health
Classification: Uncertain significance for Cardiac arrhythmia. Last evaluated: 2023-12-05. Review status: criteria provided, single submitter. Criteria: ACMG Guidelines, 2015. Collection method: clinical testing. Allele origin: germline.
Comment: This synonymous variant does not change the amino acid sequence of the KCNQ1 protein. However, splice prediction tools suggest that this variant may disrupt RNA splicing. To our knowledge, functional studies have not been performed for this variant. This variant has not been reported in individuals affected with cardiovascular disorders in the literature. This variant has not been identified in the general population by the Genome Aggregation Database (gnomAD). The available evidence is insufficient to determine the role of this variant in disease conclusively. Therefore, this variant is classified as a Variant of Uncertain Significance.